The following is an entry in ClinVar:

NM_014822.4(SEC24D):c.1193A>G (p.Tyr398Cys)

Gene: SEC24D (SEC24 homolog D, COPII component; minus strand). Cytogenetic location: 4q26.
Variant type: single nucleotide variant.
Coding change: c.1193A>G on transcript NM_014822.4 (MANE Select); coding-DNA position 1193, A replaced by G.
Protein change: p.Tyr398Cys; replaces tyrosine 398 with cysteine.
Molecular consequence: missense variant.
Genome position (GRCh38, 1-based): chr4:118,764,905, T>C on the plus strand (A>G on the coding strand, the complement: SEC24D is on the minus strand). VCF-style: chr4-118764905-T-C. GRCh37 (hg19) VCF-style: chr4-119686060-T-C.
Other names: c.1196A>G, p.Tyr399Cys (NM_001318066.2); short protein forms Y398C, Y399C.
Identifiers: ClinVar variation 1945306 (VCV001945306.5), dbSNP rs758910502, ClinGen allele CA3057318.
Genomic context (GRCh38, chr4:118,764,905, plus strand): 5'-GATAACTCTGGTTTCTCATAGTGGTCCAGTCTTCTTCCAATGTGGTCCAGATGTTGGAAA[T>C]AGAATGGTGGAACTAATAAAAACAAAATAGGAAAGAAAATATTTTGTTTTCATAAACACA-3'
Protein context (NP_055637.2, residues 388-408): CNCVNDVPPF[Tyr398Cys]FQHLDHIGRR

ClinVar aggregate classification (germline): Uncertain significance (1 of 4 stars; one submission).

Allele frequency attached by ClinVar (database versions not stated): gnomAD exomes below 0.00001; ExAC 0.00001; gnomAD 0.00001; TOPMed 0.00001.
gnomAD v4.1: 9 of 1,591,956 alleles (0.00057%); highest among the groups gnomAD compares: Admixed American, 0.005%; no homozygotes.

Submission:

Labcorp Genetics (formerly Invitae), Labcorp
Classification: Uncertain significance. Last evaluated: 2022-01-03. Review status: criteria provided, single submitter. Criteria: Invitae Variant Classification Sherloc (09022015). Collection method: clinical testing. Allele origin: germline.
Comment: In summary, the available evidence is currently insufficient to determine the role of this variant in disease. Therefore, it has been classified as a Variant of Uncertain Significance. Algorithms developed to predict the effect of missense changes on protein structure and function are either unavailable or do not agree on the potential impact of this missense change (SIFT: "Not Available"; PolyPhen-2: "Probably Damaging"; Align-GVGD: "Not Available"). This variant has not been reported in the literature in individuals affected with SEC24D-related conditions. This variant is present in population databases (rs758910502, gnomAD 0.002%). This sequence change replaces tyrosine, which is neutral and polar, with cysteine, which is neutral and slightly polar, at codon 398 of the SEC24D protein (p.Tyr398Cys).